The following is an entry in ClinVar:

NM_000179.3(MSH6):c.3052C>T (p.Leu1018Phe)

Gene: MSH6 (mutS homolog 6; plus strand). Cytogenetic location: 2p16.3.
Variant type: single nucleotide variant.
Coding change: c.3052C>T on transcript NM_000179.3 (MANE Select); coding-DNA position 3052, C replaced by T.
Protein change: p.Leu1018Phe; replaces leucine 1018 with phenylalanine.
Molecular consequence: missense variant.
Genome position (GRCh38, 1-based): chr2:47,801,035, C>T. VCF-style: chr2-47801035-C-T. GRCh37 (hg19) VCF-style: chr2-48028174-C-T.
Other names: c.2662C>T, p.Leu888Phe (NM_001281492.2); c.2146C>T, p.Leu716Phe (NM_001281493.2, NM_001281494.2); short protein forms L1018F, L716F, L888F.
Identifiers: ClinVar variation 491922 (VCV000491922.6), dbSNP rs878853727, ClinGen allele CA346756506.

ClinVar aggregate classification (germline): Uncertain significance. Review status: criteria provided, multiple submitters, no conflicts (2 of 4 stars). 2 submissions from 2 submitters: Uncertain significance (2). Last evaluated 2025-05-30.

Conditions:
Hereditary cancer-predisposing syndrome. Also called: Hereditary neoplastic syndrome; Tumor predisposition; Hereditary Cancer Syndrome; Neoplastic Syndromes, Hereditary. Identifiers: Orphanet 140162, MedGen C0027672, MeSH D009386, MONDO:0015356.

Submissions (2):

Ambry Genetics
Classification: Uncertain significance for Hereditary cancer-predisposing syndrome. Last evaluated: 2025-05-30. Review status: criteria provided, single submitter. Criteria: Ambry Variant Classification Scheme 2023. Collection method: clinical testing. Allele origin: germline.
Comment: The p.L1018F variant (also known as c.3052C>T), located in coding exon 4 of the MSH6 gene, results from a C to T substitution at nucleotide position 3052. The leucine at codon 1018 is replaced by phenylalanine, an amino acid with highly similar properties. This amino acid position is well conserved in available vertebrate species. In addition, the in silico prediction for this alteration is inconclusive. Based on the available evidence, the clinical significance of this variant remains unclear.

Color Diagnostics, LLC DBA Color Health
Classification: Uncertain significance for Hereditary cancer-predisposing syndrome. Last evaluated: 2018-10-21. Review status: criteria provided, single submitter. Criteria: ACMG Guidelines, 2015. Collection method: clinical testing. Allele origin: germline.